The following is an entry in ClinVar:

NM_015072.5(TTLL5):c.3256A>G (p.Ser1086Gly)

Gene: TTLL5 (tubulin tyrosine ligase like 5; plus strand). Cytogenetic location: 14q24.3.
Variant type: single nucleotide variant.
Coding change: c.3256A>G on transcript NM_015072.5 (MANE Select); coding-DNA position 3256, A replaced by G.
Protein change: p.Ser1086Gly; replaces serine 1086 with glycine.
Molecular consequence: missense variant.
Genome position (GRCh38, 1-based): chr14:75,820,091, A>G. VCF-style: chr14-75820091-A-G. GRCh37 (hg19) VCF-style: chr14-76286434-A-G.
Other names: short protein forms S1086G.
Identifiers: ClinVar variation 1006651 (VCV001006651.8), dbSNP rs1894740143, ClinGen allele CA390536568.
Genomic context (GRCh38, chr14:75,820,091, plus strand): 5'-GGCATCATAAACAGAAGCAGTGCTTCAGCTCCCCCAACCCTCCGACCCATCATCAGTCCT[A>G]GTGGCCCGACATGGTCTACACAGTCAGACCCCCAAGCTCCCGAGAATCACTCCAGCTCTC-3'
Protein context (NP_055887.3, residues 1076-1096): PPTLRPIISP[Ser1086Gly]GPTWSTQSDP

ClinVar aggregate classification (germline): Uncertain significance (1 of 4 stars; one submission).

Allele frequency attached by ClinVar (database versions not stated): gnomAD exomes below 0.00001; gnomAD 0.00001.
gnomAD v4.1: 2 of 1,609,670 alleles (0.00012%); highest among the groups gnomAD compares: Admixed American, 0.0017%; no homozygotes.

Submission:

Labcorp Genetics (formerly Invitae), Labcorp
Classification: Uncertain significance. Last evaluated: 2023-05-08. Review status: criteria provided, single submitter. Criteria: Invitae Variant Classification Sherloc (09022015). Collection method: clinical testing. Allele origin: germline.
Comment: ClinVar contains an entry for this variant (Variation ID: 1006651). Advanced modeling of protein sequence and biophysical properties (such as structural, functional, and spatial information, amino acid conservation, physicochemical variation, residue mobility, and thermodynamic stability) performed at Invitae indicates that this missense variant is not expected to disrupt TTLL5 protein function. In summary, the available evidence is currently insufficient to determine the role of this variant in disease. Therefore, it has been classified as a Variant of Uncertain Significance. This variant has not been reported in the literature in individuals affected with TTLL5-related conditions. This sequence change replaces serine, which is neutral and polar, with glycine, which is neutral and non-polar, at codon 1086 of the TTLL5 protein (p.Ser1086Gly). This variant is not present in population databases (gnomAD no frequency).